The following is an entry in ClinVar:

NM_000038.6(APC):c.933+819T>C

Gene: APC (APC regulator of Wnt signaling pathway; plus strand). Cytogenetic location: 5q22.2.
Variant type: single nucleotide variant.
Coding change: c.933+819T>C on transcript NM_000038.6 (MANE Select); 819 bases into the intron after coding-DNA position 933, T replaced by C.
Molecular consequence: intron variant.
Genome position (GRCh38, 1-based): chr5:112,816,412, T>C. VCF-style: chr5-112816412-T-C. GRCh37 (hg19) VCF-style: chr5-112152109-T-C.
Other names: c.84+819T>C (NM_001407470.1, NM_001407472.1, NM_001354906.2 and 1 more transcripts); c.933+819T>C (NM_001407447.1, NM_001354895.2, NM_001407456.1 and 12 more transcripts); c.849+819T>C (NM_001407452.1, NM_001407469.1, NM_001354899.2 and 1 more transcripts); c.963+819T>C (NM_001407446.1, NM_001354897.2, NM_001354902.2); c.879+819T>C (NM_001127511.3); c.756+819T>C (NM_001407453.1, NM_001354900.2, NM_001354901.2 and 1 more transcripts); c.858+819T>C (NM_001407451.1, NM_001354898.2, NM_001354904.2).
Identifiers: ClinVar variation 4983960 (VCV004983960.1).

ClinVar aggregate classification (germline): Likely benign (1 of 4 stars; one submission).

Conditions:
APC-related disorder. Also called: APC-related condition.

gnomAD v4.1: 2 of 152,362 alleles (0.0013%); highest among the groups gnomAD compares: African/African-American, 0.0024%; no homozygotes.

Submission:

PreventionGenetics, part of Exact Sciences
Classification: Likely benign for APC-related condition. Last evaluated: 2026-05-25. Review status: criteria provided, single submitter. Criteria: ACMG Guidelines, 2015. Collection method: clinical testing. Allele origin: germline.
Comment: This variant is classified as likely benign based on ACMG/AMP sequence variant interpretation guidelines (Richards et al. 2015 PMID: 25741868, with internal and published modifications).